The following is an entry in ClinVar:

ClinVar aggregate classification (germline): Pathogenic (1 of 4 stars; one submission).

Submission:

GeneDx
Classification: Pathogenic. Last evaluated: 2017-09-20. Review status: criteria provided, single submitter. Criteria: GeneDx Variant Classification (06012015). Collection method: clinical testing. Allele origin: germline. Affected: yes.
Comment: The c.210delA variant in the TPM2 gene has not been reported previously as a pathogenic variant nor as a benign variant, to our knowledge. The c.210delA variant causes a frameshift starting with codon Lysine 70, changes this amino acid to a Asparagine residue, and creates a premature Stop codon at position 19 of the new reading frame, denoted p.K70NfsX19. This variant is predicted to cause loss of normal protein function either through protein truncation or nonsense-mediated mRNA decay. The c.210delA variant is not observed in large population cohorts (Lek et al., 2016; 1000 Genomes Consortium et al., 2015; Exome Variant Server). We interpret c.210delA as a pathogenic variant.

NM_003289.4(TPM2):c.210del (p.Lys70fs)

Gene: TPM2 (tropomyosin 2; minus strand). Cytogenetic location: 9p13.3.
Variant type: Deletion.
Coding change: c.210del on transcript NM_003289.4 (MANE Select); coding-DNA position 210, one base deleted (A; older notation c.210delA).
Protein change: p.Lys70fs; shifts the reading frame from lysine 70.
Molecular consequence: frameshift variant.
Genome position (GRCh38, 1-based): chr9:35,689,176, T deleted on the plus strand (A on the coding strand, the reverse complement: TPM2 is on the minus strand); the first of 3 consecutive T bases (chr9:35,689,176-35,689,178); deleting any one gives the same sequence. VCF-style (leftmost placement, unchanged base first): chr9-35689175-GT-G. GRCh37 (hg19) VCF-style: chr9-35689172-GT-G.
Other names: c.210del, p.Lys70fs (NM_001301226.2, NM_001301227.2, NM_213674.1); c.210delA (NM_003289.3); short protein forms K70fs.
Identifiers: ClinVar variation 452383 (VCV000452383.2), dbSNP rs1554659545, ClinGen allele CA658657865.